The following is an entry in ClinVar:

ClinVar aggregate classification (germline): Likely pathogenic. Review status: criteria provided, multiple submitters, no conflicts (2 of 4 stars). 2 submissions from 2 submitters: Likely pathogenic (2). Last evaluated 2025-05-01.

Submissions (2):

CeGaT Center for Human Genetics Tuebingen
Classification: Likely pathogenic. Last evaluated: 2025-05-01. Review status: criteria provided, single submitter. Criteria: CeGaT Center For Human Genetics Tuebingen Variant Classification Criteria Version 2. Collection method: clinical testing. Allele origin: germline. Affected: yes. Observed: 1 variant allele.
Comment: KMT2B: PM2, PS2:Moderate, PP3, PS4:Supporting

GeneDx
Classification: Likely pathogenic. Last evaluated: 2018-12-03. Review status: criteria provided, single submitter. Criteria: GeneDx Variant Classification Process June 2021. Collection method: clinical testing. Allele origin: germline. Affected: yes.
Comment: Not observed in large population cohorts (Lek et al., 2016); In silico analysis, which includes protein predictors and evolutionary conservation, supports a deleterious effect; Has not been previously published as pathogenic or benign to our knowledge; This variant is associated with the following publications: (PMID: 32877735)

NM_014727.3(KMT2B):c.7828C>T (p.Arg2610Cys)

Gene: KMT2B (lysine methyltransferase 2B; plus strand). Cytogenetic location: 19q13.12.
Variant type: single nucleotide variant.
Coding change: c.7828C>T on transcript NM_014727.3 (MANE Select); coding-DNA position 7828, C replaced by T.
Protein change: p.Arg2610Cys; replaces arginine 2610 with cysteine.
Molecular consequence: missense variant.
Genome position (GRCh38, 1-based): chr19:35,738,147, C>T. VCF-style: chr19-35738147-C-T. GRCh37 (hg19) VCF-style: chr19-36229048-C-T.
Other names: short protein forms R2610C.
Identifiers: ClinVar variation 1193202 (VCV001193202.12), dbSNP rs866415691, ClinGen allele CA307802737.